The following is an entry in ClinVar:

ClinVar aggregate classification (germline): Uncertain significance (1 of 4 stars; one submission).

Submission:

Labcorp Genetics (formerly Invitae), Labcorp
Classification: Uncertain significance. Last evaluated: 2024-10-15. Review status: criteria provided, single submitter. Criteria: Invitae Variant Classification Sherloc (09022015). Collection method: clinical testing. Allele origin: germline.
Comment: This sequence change replaces alanine, which is neutral and non-polar, with serine, which is neutral and polar, at codon 812 of the AMER1 protein (p.Ala812Ser). This variant is not present in population databases (gnomAD no frequency). This variant has not been reported in the literature in individuals affected with AMER1-related conditions. An algorithm developed to predict the effect of missense changes on protein structure and function (PolyPhen-2) suggests that this variant is likely to be disruptive. In summary, the available evidence is currently insufficient to determine the role of this variant in disease. Therefore, it has been classified as a Variant of Uncertain Significance.

NM_152424.4(AMER1):c.2434G>T (p.Ala812Ser)

Gene: AMER1 (APC membrane recruitment protein 1; minus strand). Cytogenetic location: Xq11.2.
Variant type: single nucleotide variant.
Coding change: c.2434G>T on transcript NM_152424.4 (MANE Select); coding-DNA position 2434, G replaced by T.
Protein change: p.Ala812Ser; replaces alanine 812 with serine.
Molecular consequence: missense variant.
Genome position (GRCh38, 1-based): chrX:64,190,853, C>A on the plus strand (G>T on the coding strand, the complement: AMER1 is on the minus strand). VCF-style: chrX-64190853-C-A. GRCh37 (hg19) VCF-style: chrX-63410733-C-A.
Other names: short protein forms A812S.
Identifiers: ClinVar variation 3638867 (VCV003638867.2).